The following is an entry in ClinVar:

ClinVar aggregate classification (germline): Uncertain significance. Review status: criteria provided, multiple submitters, no conflicts (2 of 4 stars). 2 submissions from 2 submitters: Uncertain significance (2). Last evaluated 2026-02-20.

Conditions:
Basal cell nevus syndrome 1 (BCNS1). Also called: GORLIN-GOLTZ SYNDROME; MULTIPLE BASAL CELL NEVI, ODONTOGENIC KERATOCYSTS, AND SKELETAL ANOMALIES. Identifiers: MedGen CN376810, MONDO:0958174, OMIM 109400.
Gorlin syndrome. Also called: Nevoid Basal Cell Carcinoma Syndrome; Basal cell nevus syndrome. Identifiers: Orphanet 377, MedGen C0004779, MONDO:0007187.

Allele frequency attached by ClinVar (database versions not stated): gnomAD exomes below 0.00001; gnomAD 0.00001.
gnomAD v4.1: 2 of 1,613,970 alleles (0.00012%); highest among the groups gnomAD compares: East Asian, 0.0045%; no homozygotes.

Submissions (2):

St. Jude Molecular Pathology, St. Jude Children's Research Hospital
Classification: Uncertain significance for Basal cell nevus syndrome 1. Last evaluated: 2026-02-20. Review status: criteria provided, single submitter. Criteria: St. Jude Assertion Criteria 2020. Collection method: clinical testing. Allele origin: germline.
Comment: The PTCH2 c.1540C>T p.(Leu514Phe) missense change has a maximum subpopulation frequency of 0.01% in gnomAD v2.1.1. The in silico tool REVEL predicts a benign effect on protein function, but to our knowledge this prediction has not been confirmed by functional studies. To our knowledge, this variant has not been reported in individuals with nevoid basal cell carcinoma syndrome. In summary, th e evidence currently available is insufficient to determine the clinical significance of this variant. It has therefore been classified as of uncertain significance.

Labcorp Genetics (formerly Invitae), Labcorp
Classification: Uncertain significance for Gorlin syndrome. Last evaluated: 2023-08-20. Review status: criteria provided, single submitter. Criteria: Invitae Variant Classification Sherloc (09022015). Collection method: clinical testing. Allele origin: germline.
Comment: This variant has not been reported in the literature in individuals affected with PTCH2-related conditions. This variant is present in population databases (no rsID available, gnomAD 0.01%). This sequence change replaces leucine, which is neutral and non-polar, with phenylalanine, which is neutral and non-polar, at codon 514 of the PTCH2 protein (p.Leu514Phe). ClinVar contains an entry for this variant (Variation ID: 933641). In summary, the available evidence is currently insufficient to determine the role of this variant in disease. Therefore, it has been classified as a Variant of Uncertain Significance. Algorithms developed to predict the effect of missense changes on protein structure and function output the following: SIFT: "Not Available"; PolyPhen-2: "Benign"; Align-GVGD: "Not Available". The phenylalanine amino acid residue is found in multiple mammalian species, which suggests that this missense change does not adversely affect protein function.

NM_003738.5(PTCH2):c.1540C>T (p.Leu514Phe)

Gene: PTCH2 (patched 2; minus strand). Cytogenetic location: 1p34.1.
Variant type: single nucleotide variant.
Coding change: c.1540C>T on transcript NM_003738.5 (MANE Select); coding-DNA position 1540, C replaced by T.
Protein change: p.Leu514Phe; replaces leucine 514 with phenylalanine.
Molecular consequence: missense variant.
Genome position (GRCh38, 1-based): chr1:44,828,556, G>A on the plus strand (C>T on the coding strand, the complement: PTCH2 is on the minus strand). VCF-style: chr1-44828556-G-A. GRCh37 (hg19) VCF-style: chr1-45294228-G-A.
Other names: c.1540C>T, p.Leu514Phe (NM_001166292.2); short protein forms L514F.
Identifiers: ClinVar variation 933641 (VCV000933641.11), dbSNP rs1166767159, ClinGen allele CA340100799.